The following is an entry in ClinVar:

NM_004364.5(CEBPA):c.946_947insGGA (p.Glu316delinsGlyLys)

Gene: CEBPA (CCAAT enhancer binding protein alpha; minus strand). Cytogenetic location: 19q13.11.
Variant type: Insertion.
Coding change: c.946_947insGGA on transcript NM_004364.5 (MANE Select); coding-DNA positions 946 to 947, GGA inserted.
Protein change: p.Glu316delinsGlyLys.
Molecular consequence: inframe indel.
Genome position: GRCh38 VCF-style: chr19-33301468-T-TTCC. GRCh37 (hg19) VCF-style: chr19-33792374-T-TTCC.
Other names: c.589_590insGGA, p.Glu197delinsGlyLys (NM_001285829.2); c.1051_1052insGGA, p.Glu351delinsGlyLys (NM_001287424.2); c.904_905insGGA, p.Glu302delinsGlyLys (NM_001287435.2).
Identifiers: ClinVar variation 1343792 (VCV001343792.1), dbSNP rs2513328286, ClinGen allele CA2580096790.
Genomic context (GRCh38, chr19:33,301,468, plus strand): 5'-TCCAGTTCGCGGCTCAGCTGTTCCACCCGCTTGCGCAGGCGGTCATTGTCACTGGTCAGC[T>TTCC]CCAGCACCTTCTGCTGCGTCTCCACGTTGCGCTGCTTGGCCTTGTCGCGGCTCTTGCGCA-3'

ClinVar aggregate classification (germline): Likely pathogenic (1 of 4 stars; one submission).

Conditions:
Acute myeloid leukemia (AML). Also called: Leukemia, acute myeloid, somatic; Leukemia, acute myelogenous, somatic; Acute myeloid leukemia, adult; AML adult; Acute non-lymphocytic leukemia; Acute granulocytic leukemia. Identifiers: Orphanet 519, MedGen C0023467, MeSH D015470, MONDO:0018874, OMIM 601626, HP:0004808. Disease mechanism: Constitutively activated FLT3.

Submission:

Genomic Diagnostics Laboratory, National Institute of Medical Genomics
Classification: Likely pathogenic for Acute myeloid leukemia. Review status: criteria provided, single submitter. Criteria: AMP Guidelines, 2017. Collection method: clinical testing. Allele origin: somatic. Affected: yes.
Comment: The variant was detected in bone marrow from patients, but it was not confirmed in the matched